The following is an entry in ClinVar:

NM_017433.5(MYO3A):c.3932C>G (p.Thr1311Ser)

Gene: MYO3A (myosin IIIA; plus strand). Cytogenetic location: 10p12.1.
Variant type: single nucleotide variant.
Coding change: c.3932C>G on transcript NM_017433.5 (MANE Select); coding-DNA position 3932, C replaced by G.
Protein change: p.Thr1311Ser; replaces threonine 1311 with serine.
Molecular consequence: missense variant.
Genome position (GRCh38, 1-based): chr10:26,174,196, C>G. VCF-style: chr10-26174196-C-G. GRCh37 (hg19) VCF-style: chr10-26463125-C-G.
Other names: short protein forms T1311S.
Identifiers: ClinVar variation 290824 (VCV000290824.24), dbSNP rs146693681, ClinGen allele CA5445344.
Genomic context (GRCh38, chr10:26,174,196, plus strand): 5'-AAAGGTCAATTTATCAAAATGCAAACAGCATGGAAAAAGAAAAGAAGACATCTGTAGTTA[C>G]CCAGCGTGCACCGATATGCAGCCAGGAGGAAGGCAGAGGCCGTCTGAGGCATGAGACAGT-3'
Protein context (NP_059129.3, residues 1301-1321): MEKEKKTSVV[Thr1311Ser]QRAPICSQEE

ClinVar aggregate classification (germline): Conflicting classifications of pathogenicity. Review status: criteria provided, conflicting classifications (1 of 4 stars). 7 submissions from 7 submitters: Uncertain significance (2); Likely benign (4). 1 of the submissions does not count toward it. Last evaluated 2025-11-08.

Conditions:
MYO3A-related disorder. Also called: MYO3A-related condition.
Autosomal recessive nonsyndromic hearing loss 30. Identifiers: Orphanet 90636, MedGen C1846784, MONDO:0011774, OMIM 607101.

Allele frequency attached by ClinVar (database versions not stated): gnomAD exomes 0.00018 and 0.00033; ExAC 0.00041; ESP Exome Variant Server 0.00138; TOPMed 0.00152; 1000 Genomes Project 30x 0.00156; 1000 Genomes Project 0.00180.
gnomAD v4.1: 480 of 1,614,190 alleles (0.03%); highest among the groups gnomAD compares: African/African-American, 0.45%; 3 homozygotes.

Submissions (7):

Labcorp Genetics (formerly Invitae), Labcorp
Classification: Likely benign. Last evaluated: 2025-11-08. Review status: criteria provided, single submitter. Criteria: Invitae Variant Classification Sherloc (09022015). Collection method: clinical testing. Allele origin: germline.

Blueprint Genetics
Classification: Likely benign. Last evaluated: 2024-09-02. Review status: criteria provided, single submitter. Criteria: ACMG Guidelines, 2015. Collection method: clinical testing. Allele origin: germline.

GeneDx
Classification: Uncertain significance. Last evaluated: 2021-10-05. Review status: criteria provided, single submitter. Criteria: GeneDx Variant Classification Process June 2021. Collection method: clinical testing. Allele origin: germline. Affected: yes.
Comment: In silico analysis, which includes protein predictors and evolutionary conservation, supports that this variant does not alter protein structure/function; Has not been previously published as pathogenic or benign to our knowledge

Illumina Laboratory Services, Illumina
Classification: Uncertain significance for Autosomal recessive nonsyndromic hearing loss 30. Last evaluated: 2018-01-13. Review status: criteria provided, single submitter. Criteria: ICSL Variant Classification Criteria 13 December 2019. Collection method: clinical testing. Allele origin: germline.

Eurofins Ntd Llc (ga)
Classification: Likely benign. Last evaluated: 2016-09-12. Review status: criteria provided, single submitter. Criteria: EGL Classification Definitions 2015. Collection method: clinical testing. Allele origin: germline. Observed: 1 variant allele, 1 heterozygote.

Laboratory for Molecular Medicine, Mass General Brigham Personalized Medicine
Classification: Likely benign. Last evaluated: 2016-06-21. Review status: criteria provided, single submitter. Criteria: LMM Criteria. Collection method: clinical testing. Allele origin: germline. Observed: 2 variant alleles.
Comment: p.Thr1311Ser in Exon 30 of MYO3A: This variant is not expected to have clinical significance because it has been identified in 0.4% (42/10370) of African chromo somes by the Exome Aggregation Consortium (ExAC; dbSNP rs146693681).

PreventionGenetics, part of Exact Sciences
Classification: Likely benign for MYO3A-related condition. Last evaluated: 2024-05-24. Review status: no assertion criteria provided. Collection method: clinical testing. Allele origin: germline. Not counted in ClinVar's aggregate classification.
Comment: This variant is classified as likely benign based on ACMG/AMP sequence variant interpretation guidelines (Richards et al. 2015 PMID: 25741868, with internal and published modifications).